The following is an entry in ClinVar:

ClinVar aggregate classification (germline): Conflicting classifications of pathogenicity. Review status: criteria provided, conflicting classifications (1 of 4 stars). 6 submissions from 6 submitters: Uncertain significance (4); Benign (1); Likely benign (1). Last evaluated 2026-01-12.

Conditions:
Norman-Roberts syndrome (LIS2). Also called: Lissencephaly 2 (Norman-Roberts type). Identifiers: Orphanet 89844, MedGen C0796089, MONDO:0009760, OMIM 257320.
Familial temporal lobe epilepsy 7. Identifiers: Orphanet 101046, MedGen C4225327, MONDO:0014639, OMIM 616436.
Inborn genetic diseases. Identifiers: MedGen C0950123, MeSH D030342.

Allele frequency attached by ClinVar (database versions not stated): gnomAD exomes 0.00002 and 0.00004; ExAC 0.00007; gnomAD 0.00019 and 0.00024; TOPMed 0.00021; ESP Exome Variant Server 0.00031.
gnomAD v4.1: 64 of 1,613,496 alleles (0.004%); highest among the groups gnomAD compares: African/African-American, 0.067%; 1 homozygote.

Submissions (6):

Labcorp Genetics (formerly Invitae), Labcorp
Classification: Benign for Familial temporal lobe epilepsy 7; Norman-Roberts syndrome. Last evaluated: 2026-01-12. Review status: criteria provided, single submitter. Criteria: Invitae Variant Classification Sherloc (09022015). Collection method: clinical testing. Allele origin: germline.

Women's Health and Genetics/Laboratory Corporation of America, LabCorp
Classification: Uncertain significance. Last evaluated: 2025-12-26. Review status: criteria provided, single submitter. Criteria: LabCorp Variant Classification Summary - May 2015. Collection method: clinical testing. Allele origin: germline.
Comment: Variant summary: RELN c.6278A>C (p.His2093Pro) results in a non-conservative amino acid change in the encoded protein sequence. Algorithms developed to predict the effect of missense changes on protein structure and function are either unavailable or do not agree on the potential impact of this missense change. The variant allele was found at a frequency of 4e-05 in 250266 control chromosomes. This frequency is not significantly higher than estimated for disease-causing variants in RELN, allowing no conclusion about variant significance. To our knowledge, no occurrence of c.6278A>C in individuals affected with RELN-related conditions and no experimental evidence demonstrating its impact on protein function have been reported. ClinVar contains an entry for this variant (Variation ID: 197440). Based on the evidence outlined above, the variant was classified as uncertain significance.

Ambry Genetics
Classification: Likely benign for Inborn genetic diseases. Last evaluated: 2024-06-14. Review status: criteria provided, single submitter. Criteria: Ambry Variant Classification Scheme 2023. Collection method: clinical testing. Allele origin: germline.

GeneDx
Classification: Uncertain significance. Last evaluated: 2022-01-20. Review status: criteria provided, single submitter. Criteria: GeneDx Variant Classification Process June 2021. Collection method: clinical testing. Allele origin: germline. Affected: yes.
Comment: In silico analysis supports that this missense variant does not alter protein structure/function; Has not been previously published as pathogenic or benign to our knowledge

New York Genome Center
Classification: Uncertain significance for Familial temporal lobe epilepsy 7. Last evaluated: 2021-12-20. Review status: criteria provided, single submitter. Criteria: NYGC Assertion Criteria 2020. Collection method: clinical testing. Allele origin: germline. Observed: 1 heterozygote. Study: CSER-NYCKidSeq.

Eurofins Ntd Llc (ga)
Classification: Uncertain significance. Last evaluated: 2016-07-19. Review status: criteria provided, single submitter. Criteria: EGL Classification Definitions 2015. Collection method: clinical testing. Allele origin: germline. Observed: 2 variant alleles, 2 heterozygotes.

NM_005045.4(RELN):c.6278A>C (p.His2093Pro)

Gene: RELN (reelin; minus strand). Cytogenetic location: 7q22.1.
Variant type: single nucleotide variant.
Coding change: c.6278A>C on transcript NM_005045.4 (MANE Select); coding-DNA position 6278, A replaced by C.
Protein change: p.His2093Pro; replaces histidine 2093 with proline.
Molecular consequence: missense variant.
Genome position (GRCh38, 1-based): chr7:103,551,091, T>G on the plus strand (A>C on the coding strand, the complement: RELN is on the minus strand). VCF-style: chr7-103551091-T-G. GRCh37 (hg19) VCF-style: chr7-103191538-T-G.
Other names: c.6278A>C, p.His2093Pro (NM_173054.3); short protein forms H2093P.
Identifiers: ClinVar variation 197440 (VCV000197440.21), dbSNP rs149152189, ClinGen allele CA245579.